The following is an entry in ClinVar:

NM_002471.4(MYH6):c.882G>C (p.Lys294Asn)

Gene: MYH6 (myosin heavy chain 6; minus strand). Cytogenetic location: 14q11.2.
Variant type: single nucleotide variant.
Coding change: c.882G>C on transcript NM_002471.4 (MANE Select); coding-DNA position 882, G replaced by C.
Protein change: p.Lys294Asn; replaces lysine 294 with asparagine.
Molecular consequence: missense variant.
Genome position (GRCh38, 1-based): chr14:23,403,364, C>G on the plus strand (G>C on the coding strand, the complement: MYH6 is on the minus strand). VCF-style: chr14-23403364-C-G. GRCh37 (hg19) VCF-style: chr14-23872573-C-G.
Other names: short protein forms K294N.
Identifiers: ClinVar variation 3222363 (VCV003222363.1), dbSNP rs766491499, ClinGen allele CA7115997.

ClinVar aggregate classification (germline): Uncertain significance (1 of 4 stars; one submission).

Conditions:
Cardiovascular phenotype. Identifiers: MedGen CN230736.

Allele frequency attached by ClinVar (database versions not stated): gnomAD exomes below 0.00001; ExAC 0.00001.
gnomAD v4.1: 4 of 1,614,004 alleles (0.00025%); highest among the groups gnomAD compares: Middle Eastern, 0.017%; no homozygotes.

Submission:

Ambry Genetics
Classification: Uncertain significance for Cardiovascular phenotype. Last evaluated: 2024-02-23. Review status: criteria provided, single submitter. Criteria: Ambry Variant Classification Scheme 2023. Collection method: clinical testing. Allele origin: germline.
Comment: The p.K294N variant (also known as c.882G>C), located in coding exon 8 of the MYH6 gene, results from a G to C substitution at nucleotide position 882. The lysine at codon 294 is replaced by asparagine, an amino acid with similar properties. This amino acid position is conserved. In addition, this alteration is predicted to be tolerated by in silico analysis. Based on the available evidence, the clinical significance of this alteration remains unclear.